The following is an entry in ClinVar:

NM_000214.3(JAG1):c.3286C>T (p.Arg1096Trp)

Gene: JAG1 (jagged canonical Notch ligand 1; minus strand). Cytogenetic location: 20p12.2.
Variant type: single nucleotide variant.
Coding change: c.3286C>T on transcript NM_000214.3 (MANE Select); coding-DNA position 3286, C replaced by T.
Protein change: p.Arg1096Trp; replaces arginine 1096 with tryptophan.
Molecular consequence: missense variant.
Genome position (GRCh38, 1-based): chr20:10,639,869, G>A on the plus strand (C>T on the coding strand, the complement: JAG1 is on the minus strand). VCF-style: chr20-10639869-G-A. GRCh37 (hg19) VCF-style: chr20-10620517-G-A.
Other names: c.3286C>T (NM_000214.2); c.3286C>T, p.Arg1096Trp (LRG_1191t1); short protein forms R1096W.
Identifiers: ClinVar variation 596031 (VCV000596031.14), dbSNP rs537986153, ClinGen allele CA9764234.

ClinVar aggregate classification (germline): Uncertain significance. Review status: criteria provided, multiple submitters, no conflicts (2 of 4 stars). 4 submissions from 4 submitters: Uncertain significance (4). Last evaluated 2025-08-18.

Conditions:
Cardiovascular phenotype. Identifiers: MedGen CN230736.
Deafness, congenital heart defects, and posterior embryotoxon (DCHE). Identifiers: MedGen C1866053, MONDO:0060713, OMIM 617992.
Alagille syndrome due to a JAG1 point mutation. Also called: HEPATIC DUCTULAR HYPOPLASIA, SYNDROMATIC; Alagille Syndrome 1; JAG1-Related Alagille Syndrome. Identifiers: Orphanet 261619, Orphanet 52, MedGen C1956125, MONDO:0016862, OMIM 118450.
Tetralogy of Fallot (TOF). Identifiers: Orphanet 3303, MedGen C0039685, MONDO:0008542, OMIM 187500, HP:0001636.
Charcot-Marie-Tooth disease, axonal, Type 2HH. Also called: CHARCOT-MARIE-TOOTH NEUROPATHY, TYPE 2HH. Identifiers: MedGen C5562003, MONDO:0030458, OMIM 619574.

Allele frequency attached by ClinVar (database versions not stated): gnomAD 0.00001; gnomAD exomes 0.00001 and 0.00003; ExAC 0.00002; TOPMed 0.00002; 1000 Genomes Project 30x 0.00016; 1000 Genomes Project 0.00020.

Submissions (4):

Labcorp Genetics (formerly Invitae), Labcorp
Classification: Uncertain significance for Alagille syndrome due to a JAG1 point mutation. Last evaluated: 2025-08-18. Review status: criteria provided, single submitter. Criteria: Invitae Variant Classification Sherloc (09022015). Collection method: clinical testing. Allele origin: germline.
Comment: This sequence change replaces arginine, which is basic and polar, with tryptophan, which is neutral and slightly polar, at codon 1096 of the JAG1 protein (p.Arg1096Trp). This variant is present in population databases (rs537986153, gnomAD 0.03%). This missense change has been observed in individual(s) with JAG1-related conditions (PMID: 31475041, 34399559). ClinVar contains an entry for this variant (Variation ID: 596031). Invitae Evidence Modeling of protein sequence and biophysical properties (such as structural, functional, and spatial information, amino acid conservation, physicochemical variation, residue mobility, and thermodynamic stability) has been performed for this missense variant. However, the output from this modeling did not meet the statistical confidence thresholds required to predict the impact of this variant on JAG1 protein function. In summary, the available evidence is currently insufficient to determine the role of this variant in disease. Therefore, it has been classified as a Variant of Uncertain Significance.

Ambry Genetics
Classification: Uncertain significance for Cardiovascular phenotype. Last evaluated: 2023-03-13. Review status: criteria provided, single submitter. Criteria: Ambry Variant Classification Scheme 2023. Collection method: clinical testing. Allele origin: germline.
Comment: The p.R1096W variant (also known as c.3286C>T), located in coding exon 26 of the JAG1 gene, results from a C to T substitution at nucleotide position 3286. The arginine at codon 1096 is replaced by tryptophan, an amino acid with dissimilar properties. This alteration was reported in a prenatal cohort in a fetus with increased nuchal translucency and absent nasal bone (Choy KW et al. Front Genet, 2019 Aug;10:761). This alteration was also reported in a thoracic aortic aneurysm and dissection (TAAD) cohort (Li Y et al. Am J Transl Res, 2021 May;13:4281-4295). This amino acid position is highly conserved in available vertebrate species. In addition, this alteration is predicted to be deleterious by in silico analysis. Since supporting evidence is limited at this time, the clinical significance of this alteration remains unclear.

Eurofins Ntd Llc (ga)
Classification: Uncertain significance. Last evaluated: 2018-02-06. Review status: criteria provided, single submitter. Criteria: EGL Classification Definitions 2015. Collection method: clinical testing. Allele origin: germline. Observed: 1 variant allele, 1 heterozygote.

Juno Genomics, Hangzhou Juno Genomics, Inc
Classification: Uncertain significance for Deafness, congenital heart defects, and posterior embryotoxon; Alagille syndrome due to a JAG1 point mutation; Charcot-Marie-Tooth disease, axonal, Type 2HH; Tetralogy of Fallot. Review status: criteria provided, single submitter. Criteria: ACMG Guidelines, 2015. Collection method: clinical testing. Allele origin: germline.
Comment: Missense variant in a gene that has a low rate of benign missense variation.;Multiple lines of computational evidence support a deleterious effect on the gene or gene product.;Absent from controls (or at extremely low frequency if recessive) in Genome Aggregation Database.

Literature cited by the submitters: PubMed 31475041 (cited by Labcorp Genetics (formerly Invitae), Labcorp and Ambry Genetics); PubMed 34399559 (cited by Labcorp Genetics (formerly Invitae), Labcorp); PubMed 34150014 (cited by Ambry Genetics).